The following is an entry in ClinVar:

ClinVar aggregate classification (germline): Uncertain significance (1 of 4 stars; one submission).

Conditions:
Psoriasis 2. Identifiers: MedGen C1864497, MONDO:0011269, OMIM 602723.
Pityriasis rubra pilaris (PRP). Also called: Pityriasis rubra pilaris--familial type. Identifiers: Orphanet 2897, MedGen C0032027, MONDO:0100017, OMIM 173200, MONDO:0008251.

gnomAD v4.1: 19 of 1,613,122 alleles (0.0012%); highest among the groups gnomAD compares: Non-Finnish European, 0.0015%; no homozygotes.

Submission:

Labcorp Genetics (formerly Invitae), Labcorp
Classification: Uncertain significance for Pityriasis rubra pilaris; Psoriasis 2. Last evaluated: 2026-01-06. Review status: criteria provided, single submitter. Criteria: Invitae Variant Classification Sherloc (09022015). Collection method: clinical testing. Allele origin: germline.
Comment: This sequence change replaces alanine, which is neutral and non-polar, with proline, which is neutral and non-polar, at codon 367 of the CARD14 protein (p.Ala367Pro). This variant is present in population databases (no rsID available, gnomAD 0.002%). This variant has not been reported in the literature in individuals affected with CARD14-related conditions. ClinVar contains an entry for this variant (Variation ID: 2940516). Invitae Evidence Modeling of protein sequence and biophysical properties (such as structural, functional, and spatial information, amino acid conservation, physicochemical variation, residue mobility, and thermodynamic stability) has been performed for this missense variant. However, the output from this modeling did not meet the statistical confidence thresholds required to predict the impact of this variant on CARD14 protein function. In summary, the available evidence is currently insufficient to determine the role of this variant in disease. Therefore, it has been classified as a Variant of Uncertain Significance.

NM_001366385.1(CARD14):c.1099G>C (p.Ala367Pro)

Gene: CARD14 (caspase recruitment domain family member 14; plus strand). Cytogenetic location: 17q25.3.
Variant type: single nucleotide variant.
Coding change: c.1099G>C on transcript NM_001366385.1 (MANE Select); coding-DNA position 1099, G replaced by C.
Protein change: p.Ala367Pro; replaces alanine 367 with proline.
Molecular consequence: missense variant. On other transcripts: non-coding transcript variant (1).
Genome position (GRCh38, 1-based): chr17:80,191,332, G>C. VCF-style: chr17-80191332-G-C. GRCh37 (hg19) VCF-style: chr17-78165131-G-C.
Other names: c.1099G>C, p.Ala367Pro (NM_001257970.1, NM_024110.4); c.388G>C, p.Ala130Pro (NM_052819.3); short protein forms A367P, A130P.
Identifiers: ClinVar variation 2940516 (VCV002940516.3), dbSNP rs375882704, ClinGen allele CA401345680.